The following is an entry in ClinVar:

NM_001378454.1(ALMS1):c.9121A>G (p.Arg3041Gly)

Gene: ALMS1 (ALMS1 centrosome and basal body associated protein; plus strand). Cytogenetic location: 2p13.1.
Variant type: single nucleotide variant.
Coding change: c.9121A>G on transcript NM_001378454.1 (MANE Select); coding-DNA position 9121, A replaced by G.
Protein change: p.Arg3041Gly; replaces arginine 3041 with glycine.
Molecular consequence: missense variant.
Genome position (GRCh38, 1-based): chr2:73,491,080, A>G. VCF-style: chr2-73491080-A-G. GRCh37 (hg19) VCF-style: chr2-73718207-A-G.
Other names: c.9124A>G, p.Arg3042Gly (NM_015120.4); short protein forms R3041G, R3042G.
Identifiers: ClinVar variation 1418316 (VCV001418316.4), dbSNP rs757177003, ClinGen allele CA1714606.

ClinVar aggregate classification (germline): Uncertain significance. Review status: criteria provided, multiple submitters, no conflicts (2 of 4 stars). 2 submissions from 2 submitters: Uncertain significance (2). Last evaluated 2025-02-26.

Conditions:
Alstrom syndrome (ALMS). Identifiers: Orphanet 64, MedGen C0268425, MONDO:0008763, OMIM 203800.

Allele frequency attached by ClinVar (database versions not stated): gnomAD exomes below 0.00001; ExAC 0.00001; TOPMed 0.00001.
gnomAD v4.1: 2 of 1,614,214 alleles (0.00012%); highest among the groups gnomAD compares: Admixed American, 0.0017%; no homozygotes.

Submissions (2):

GeneDx
Classification: Uncertain significance. Last evaluated: 2025-02-26. Review status: criteria provided, single submitter. Criteria: GeneDx Variant Classification Process June 2021. Collection method: clinical testing. Allele origin: germline. Affected: yes.
Comment: Not observed at significant frequency in large population cohorts (gnomAD); In silico analysis supports that this missense variant has a deleterious effect on protein structure/function; Has not been previously published as pathogenic or benign to our knowledge

Labcorp Genetics (formerly Invitae), Labcorp
Classification: Uncertain significance for Alstrom syndrome. Last evaluated: 2021-07-31. Review status: criteria provided, single submitter. Criteria: Invitae Variant Classification Sherloc (09022015). Collection method: clinical testing. Allele origin: germline.
Comment: This sequence change replaces arginine with glycine at codon 3042 of the ALMS1 protein (p.Arg3042Gly). The arginine residue is moderately conserved and there is a moderate physicochemical difference between arginine and glycine. This variant is present in population databases (rs757177003, ExAC 0.009%). This variant has not been reported in the literature in individuals affected with ALMS1-related conditions. Experimental studies and prediction algorithms are not available or were not evaluated, and the functional significance of this variant is currently unknown. In summary, the available evidence is currently insufficient to determine the role of this variant in disease. Therefore, it has been classified as a Variant of Uncertain Significance.